The following is an entry in ClinVar:

NM_032043.3(BRIP1):c.2972C>G (p.Pro991Arg)

Gene: BRIP1 (BRCA1 interacting DNA helicase 1; minus strand). Cytogenetic location: 17q23.2.
Variant type: single nucleotide variant.
Coding change: c.2972C>G on transcript NM_032043.3 (MANE Select); coding-DNA position 2972, C replaced by G.
Protein change: p.Pro991Arg; replaces proline 991 with arginine.
Molecular consequence: missense variant.
Genome position (GRCh38, 1-based): chr17:61,684,074, G>C on the plus strand (C>G on the coding strand, the complement: BRIP1 is on the minus strand). VCF-style: chr17-61684074-G-C. GRCh37 (hg19) VCF-style: chr17-59761435-G-C.
Other names: short protein forms P991R.
Identifiers: ClinVar variation 2097978 (VCV002097978.4), dbSNP rs2061324725, ClinGen allele CA400480633.

ClinVar aggregate classification (germline): Uncertain significance (1 of 4 stars; one submission).

Conditions:
Familial cancer of breast. Also called: hereditary breast carcinoma; Hereditary breast cancer; BREAST CANCER, FAMILIAL. Identifiers: Orphanet 227535, MedGen C0346153, MONDO:0016419, OMIM 114480. Disease mechanism: loss of function.
Fanconi anemia complementation group J. Also called: BRIP1-Related Fanconi Anemia. Identifiers: Orphanet 84, MedGen C1836860, MONDO:0012187, OMIM 609054.

Submission:

Labcorp Genetics (formerly Invitae), Labcorp
Classification: Uncertain significance for Familial cancer of breast; Fanconi anemia complementation group J. Last evaluated: 2024-05-06. Review status: criteria provided, single submitter. Criteria: Invitae Variant Classification Sherloc (09022015). Collection method: clinical testing. Allele origin: germline.
Comment: This sequence change replaces proline, which is neutral and non-polar, with arginine, which is basic and polar, at codon 991 of the BRIP1 protein (p.Pro991Arg). This variant is not present in population databases (gnomAD no frequency). This variant has not been reported in the literature in individuals affected with BRIP1-related conditions. ClinVar contains an entry for this variant (Variation ID: 2097978). An algorithm developed to predict the effect of missense changes on protein structure and function (PolyPhen-2) suggests that this variant is likely to be disruptive. In summary, the available evidence is currently insufficient to determine the role of this variant in disease. Therefore, it has been classified as a Variant of Uncertain Significance.